The following is an entry in ClinVar:

NM_032043.3(BRIP1):c.1341-15T>C

Gene: BRIP1 (BRCA1 interacting DNA helicase 1; minus strand). Cytogenetic location: 17q23.2.
Variant type: single nucleotide variant.
Coding change: c.1341-15T>C on transcript NM_032043.3 (MANE Select); 15 bases into the intron before coding-DNA position 1341, T replaced by C.
Molecular consequence: intron variant.
Genome position (GRCh38, 1-based): chr17:61,793,744, A>G on the plus strand (T>C on the coding strand, the complement: BRIP1 is on the minus strand). VCF-style: chr17-61793744-A-G. GRCh37 (hg19) VCF-style: chr17-59871105-A-G.
Identifiers: ClinVar variation 3378677 (VCV003378677.2).

ClinVar aggregate classification (germline): Likely benign. Review status: criteria provided, multiple submitters, no conflicts (2 of 4 stars). 2 submissions from 2 submitters: Likely benign (2). Last evaluated 2024-08-27.

Conditions:
Familial cancer of breast. Also called: Hereditary breast cancer; hereditary breast carcinoma; BREAST CANCER, FAMILIAL. Identifiers: Orphanet 227535, MedGen C0346153, MONDO:0016419, OMIM 114480. Disease mechanism: loss of function.

Submissions (2):

Myriad Genetics, Inc.
Classification: Likely benign for Familial cancer of breast. Last evaluated: 2024-08-27. Review status: criteria provided, single submitter. Criteria: Myriad Autosomal Dominant, Autosomal Recessive and X-Linked Classification Criteria (2023). Collection method: clinical testing. Allele origin: unknown.
Comment: This variant is considered likely benign. This variant is intronic and is not expected to impact mRNA splicing.

Blueprint Genetics
Classification: Likely benign. Last evaluated: 2023-06-30. Review status: criteria provided, single submitter. Criteria: ACMG Guidelines, 2015. Collection method: clinical testing. Allele origin: germline.